The following is an entry in ClinVar:

ClinVar aggregate classification (germline): Uncertain significance. Review status: criteria provided, multiple submitters, no conflicts (2 of 4 stars). 2 submissions from 2 submitters: Uncertain significance (2). Last evaluated 2024-01-12.

Conditions:
Amelogenesis imperfecta type 1G (AI1G). Also called: Enamel renal syndrome; Absent enamel, nephrocalcinosis and apparently normal calcium metabolism; Generalized enamel hypoplasia and renal dysfunction; AMELOGENESIS IMPERFECTA, TYPE IG; AMELOGENESIS IMPERFECTA, HYPOPLASTIC, AND NEPHROCALCINOSIS; Amelogenesis imperfecta nephrocalcinosis. Identifiers: Orphanet 1031, Orphanet 171836, MedGen C2931783, MONDO:0008771, OMIM 204690. Disease mechanism: loss of function.

Allele frequency attached by ClinVar (database versions not stated): gnomAD exomes 0.00001 and 0.00002; gnomAD 0.00003; TOPMed 0.00004.
gnomAD v4.1: 21 of 1,562,574 alleles (0.0013%); highest among the groups gnomAD compares: Non-Finnish European, 0.0016%; no homozygotes.

Submissions (2):

Fulgent Genetics
Classification: Uncertain significance for Amelogenesis imperfecta type 1G. Last evaluated: 2024-01-12. Review status: criteria provided, single submitter. Criteria: ACMG Guidelines, 2015. Collection method: clinical testing. Allele origin: germline.

Labcorp Genetics (formerly Invitae), Labcorp
Classification: Uncertain significance. Last evaluated: 2021-02-15. Review status: criteria provided, single submitter. Criteria: Invitae Variant Classification Sherloc (09022015). Collection method: clinical testing. Allele origin: germline.
Comment: In summary, the available evidence is currently insufficient to determine the role of this variant in disease. Therefore, it has been classified as a Variant of Uncertain Significance. Algorithms developed to predict the effect of missense changes on protein structure and function output the following: SIFT: "Tolerated"; PolyPhen-2: "Not Available"; Align-GVGD: "Class C0". The valine amino acid residue is found in multiple mammalian species, suggesting that this missense change does not adversely affect protein function. These predictions have not been confirmed by published functional studies and their clinical significance is uncertain. This variant has not been reported in the literature in individuals with FAM20A-related conditions. The frequency data for this variant in the population databases is considered unreliable, as metrics indicate insufficient coverage at this position in the ExAC database. This sequence change replaces alanine with valine at codon 17 of the FAM20A protein (p.Ala17Val). The alanine residue is moderately conserved and there is a small physicochemical difference between alanine and valine.

NM_017565.4(FAM20A):c.50C>T (p.Ala17Val)

Gene: FAM20A (FAM20A golgi associated secretory pathway pseudokinase; minus strand). Cytogenetic location: 17q24.2.
Variant type: single nucleotide variant.
Coding change: c.50C>T on transcript NM_017565.4 (MANE Select); coding-DNA position 50, C replaced by T.
Protein change: p.Ala17Val; replaces alanine 17 with valine.
Molecular consequence: missense variant. On other transcripts: 5 prime UTR variant (1).
Genome position (GRCh38, 1-based): chr17:68,600,617, G>A on the plus strand (C>T on the coding strand, the complement: FAM20A is on the minus strand). VCF-style: chr17-68600617-G-A. GRCh37 (hg19) VCF-style: chr17-66596758-G-A.
Other names: c.-591C>T (NM_001243746.2); short protein forms A17V.
Identifiers: ClinVar variation 1449080 (VCV001449080.9), dbSNP rs1335379646, ClinGen allele CA400808258.